The following is an entry in ClinVar:

NM_004859.4(CLTC):c.4310A>G (p.Asn1437Ser)

Genes: CLTC (clathrin heavy chain; plus strand), LOC126862609 (CDK7 strongly-dependent group 2 enhancer GRCh37_chr17:57760547-57761746; plus strand). Cytogenetic location: 17q23.1.
Variant type: single nucleotide variant.
Coding change: c.4310A>G on transcript NM_004859.4 (MANE Select); coding-DNA position 4310, A replaced by G.
Protein change: p.Asn1437Ser; replaces asparagine 1437 with serine.
Molecular consequence: missense variant.
Genome position (GRCh38, 1-based): chr17:59,683,743, A>G. VCF-style: chr17-59683743-A-G. GRCh37 (hg19) VCF-style: chr17-57761104-A-G.
Other names: c.4322A>G, p.Asn1441Ser (NM_001288653.2); short protein forms N1437S, N1441S.
Identifiers: ClinVar variation 3897466 (VCV003897466.1).

ClinVar aggregate classification (germline): Uncertain significance (1 of 4 stars; one submission).

gnomAD v4.1: 2 of 1,614,170 alleles (0.00012%); highest among the groups gnomAD compares: East Asian, 0.0045%; no homozygotes.

Submission:

GeneDx
Classification: Uncertain significance. Last evaluated: 2024-10-30. Review status: criteria provided, single submitter. Criteria: GeneDx Variant Classification Process June 2021. Collection method: clinical testing. Allele origin: germline. Affected: yes.
Comment: Not observed at significant frequency in large population cohorts (gnomAD); In silico analysis indicates that this missense variant does not alter protein structure/function; Has not been previously published as pathogenic or benign to our knowledge